The following is an entry in ClinVar:

NM_000180.4(GUCY2D):c.763G>A (p.Glu255Lys)

Gene: GUCY2D (guanylate cyclase 2D, retinal; plus strand). Cytogenetic location: 17p13.1.
Variant type: single nucleotide variant.
Coding change: c.763G>A on transcript NM_000180.4 (MANE Select); coding-DNA position 763, G replaced by A.
Protein change: p.Glu255Lys; replaces glutamic acid 255 with lysine.
Molecular consequence: missense variant.
Genome position (GRCh38, 1-based): chr17:8,003,893, G>A. VCF-style: chr17-8003893-G-A. GRCh37 (hg19) VCF-style: chr17-7907211-G-A.
Other names: c.763G>A (NM_000180.3); short protein forms E255K.
Identifiers: ClinVar variation 2043141 (VCV002043141.5), dbSNP rs1975688438, ClinGen allele CA397945107.

ClinVar aggregate classification (germline): Uncertain significance. Review status: criteria provided, multiple submitters, no conflicts (2 of 4 stars). 2 submissions from 2 submitters: Uncertain significance (2). Last evaluated 2025-10-14.

Conditions:
Leber congenital amaurosis 1 (LCA1). Also called: AMAUROSIS CONGENITA OF LEBER I; Congenital absence of the rods and cones; Leber's congenital tapetoretinal degeneration; Leber's congenital tapetoretinal dysplasia; RETINAL BLINDNESS, CONGENITAL. Identifiers: Orphanet 65, MedGen C2931258, MONDO:0008764, OMIM 204000.
Cone-rod dystrophy 6 (CORD6). Also called: Cone dystrophy progressive; RETINAL CONE DYSTROPHY 2. Identifiers: Orphanet 1872, MedGen C1866293, MONDO:0011143, OMIM 601777.
GUCY2D-related disorder. Also called: GUCY2D-related condition.

Allele frequency attached by ClinVar (database versions not stated): TOPMed below 0.00001; gnomAD exomes 0.00001.
gnomAD v4.1: 3 of 1,613,350 alleles (0.00019%); highest among the groups gnomAD compares: Non-Finnish European, 0.00025%; no homozygotes.

Submissions (2):

Labcorp Genetics (formerly Invitae), Labcorp
Classification: Uncertain significance for Leber congenital amaurosis 1; Cone-rod dystrophy 6. Last evaluated: 2025-10-14. Review status: criteria provided, single submitter. Criteria: Invitae Variant Classification Sherloc (09022015). Collection method: clinical testing. Allele origin: germline.
Comment: This sequence change replaces glutamic acid, which is acidic and polar, with lysine, which is basic and polar, at codon 255 of the GUCY2D protein (p.Glu255Lys). This variant is not present in population databases (gnomAD no frequency). This missense change has been observed in individual(s) with Leber congenital amaurosis (PMID: 17964524). ClinVar contains an entry for this variant (Variation ID: 2043141). Invitae Evidence Modeling of protein sequence and biophysical properties (such as structural, functional, and spatial information, amino acid conservation, physicochemical variation, residue mobility, and thermodynamic stability) indicates that this missense variant is not expected to disrupt GUCY2D protein function with a negative predictive value of 80%. In summary, the available evidence is currently insufficient to determine the role of this variant in disease. Therefore, it has been classified as a Variant of Uncertain Significance.

PreventionGenetics, part of Exact Sciences
Classification: Uncertain significance for GUCY2D-related condition. Last evaluated: 2024-12-30. Review status: criteria provided, single submitter. Criteria: ACMG Guidelines, 2015. Collection method: clinical testing. Allele origin: germline.
Comment: The GUCY2D c.763G>A variant is predicted to result in the amino acid substitution p.Glu255Lys. This variant has been reported in a large cohort of individuals with Leber congenital amaurosis; however, no additional evidence was provided to help assess pathogenicity (Stone et al. 2007. PubMed ID: 17964524). This variant has not been reported in a large population database (gnomAD), indicating this variant is rare. At this time, the clinical significance of this variant is uncertain due to the absence of conclusive functional and genetic evidence.

Literature cited by the submitters: PubMed 17964524 (cited by Labcorp Genetics (formerly Invitae), Labcorp).